The following is an entry in ClinVar:

ClinVar aggregate classification (germline): Uncertain significance. Review status: criteria provided, multiple submitters, no conflicts (2 of 4 stars). 2 submissions from 2 submitters: Uncertain significance (2). Last evaluated 2025-12-11.

Conditions:
Inborn genetic diseases. Identifiers: MedGen C0950123, MeSH D030342.
Fanconi anemia (FA). Also called: Fanconi's anemia. Identifiers: Orphanet 84, MedGen C0015625, MeSH D005199, MONDO:0019391.

gnomAD v4.1: 1 of 1,602,346 alleles (0.000062%); no homozygotes.

Submissions (2):

Ambry Genetics
Classification: Uncertain significance for Inborn genetic diseases. Last evaluated: 2025-12-11. Review status: criteria provided, single submitter. Criteria: Ambry Variant Classification Scheme 2023. Collection method: clinical testing. Allele origin: germline.
Comment: The p.A721V variant (also known as c.2162C>T), located in coding exon 13 of the FANCM gene, results from a C to T substitution at nucleotide position 2162. The alanine at codon 721 is replaced by valine, an amino acid with similar properties. This amino acid position is conserved. In addition, this alteration is predicted to be tolerated by in silico analysis. Based on the available evidence, the clinical significance of this variant remains unclear.

Labcorp Genetics (formerly Invitae), Labcorp
Classification: Uncertain significance for Fanconi anemia. Last evaluated: 2023-04-08. Review status: criteria provided, single submitter. Criteria: Invitae Variant Classification Sherloc (09022015). Collection method: clinical testing. Allele origin: germline.
Comment: In summary, the available evidence is currently insufficient to determine the role of this variant in disease. Therefore, it has been classified as a Variant of Uncertain Significance. An algorithm developed to predict the effect of missense changes on protein structure and function (PolyPhen-2) suggests that this variant is likely to be tolerated. This variant has not been reported in the literature in individuals affected with FANCM-related conditions. This variant is present in population databases (no rsID available, gnomAD no frequency). This sequence change replaces alanine, which is neutral and non-polar, with valine, which is neutral and non-polar, at codon 721 of the FANCM protein (p.Ala721Val).

NM_020937.4(FANCM):c.2162C>T (p.Ala721Val)

Gene: FANCM (FA complementation group M; plus strand). Cytogenetic location: 14q21.2.
Variant type: single nucleotide variant.
Coding change: c.2162C>T on transcript NM_020937.4 (MANE Select); coding-DNA position 2162, C replaced by T.
Protein change: p.Ala721Val; replaces alanine 721 with valine.
Molecular consequence: missense variant.
Genome position (GRCh38, 1-based): chr14:45,173,056, C>T. VCF-style: chr14-45173056-C-T. GRCh37 (hg19) VCF-style: chr14-45642259-C-T.
Other names: c.2084C>T, p.Ala695Val (NM_001308133.2); short protein forms A695V, A721V.
Identifiers: ClinVar variation 2728149 (VCV002728149.4), dbSNP rs1479368252, ClinGen allele CA389596585.